The following is an entry in ClinVar:

ClinVar aggregate classification (germline): Benign (1 of 4 stars; one submission).

Allele frequency attached by ClinVar (database versions not stated): gnomAD 0.03103 and 0.03323; 1000 Genomes Project 0.03435; TOPMed 0.03449; 1000 Genomes Project 30x 0.03513.
gnomAD v4.1: 4,680 of 152,286 alleles (3.1%); highest among the groups gnomAD compares: African/African-American, 11%; 257 homozygotes.

Submission:

GeneDx
Classification: Benign. Last evaluated: 2018-06-14. Review status: criteria provided, single submitter. Criteria: GeneDx Variant Classification (06012015). Collection method: clinical testing. Allele origin: germline. Affected: yes.
Comment: This variant is considered likely benign or benign based on one or more of the following criteria: it is a conservative change, it occurs at a poorly conserved position in the protein, it is predicted to be benign by multiple in silico algorithms, and/or has population frequency not consistent with disease.

NM_003476.5(CSRP3):c.282-269C>T

Gene: CSRP3 (cysteine and glycine rich protein 3; minus strand). Cytogenetic location: 11p15.1.
Variant type: single nucleotide variant.
Coding change: c.282-269C>T on transcript NM_003476.5 (MANE Select); 269 bases into the intron before coding-DNA position 282, C replaced by T.
Molecular consequence: intron variant.
Genome position (GRCh38, 1-based): chr11:19,186,617, G>A on the plus strand (C>T on the coding strand, the complement: CSRP3 is on the minus strand). VCF-style: chr11-19186617-G-A. GRCh37 (hg19) VCF-style: chr11-19208164-G-A.
Other names: c.113-269C>T (NM_001369404.1).
Identifiers: ClinVar variation 669819 (VCV000669819.1), dbSNP rs79400310, ClinGen allele CA218633157.